The following is an entry in ClinVar:

ClinVar aggregate classification (germline): Likely pathogenic (1 of 4 stars; one submission).

Submission:

Labcorp Genetics (formerly Invitae), Labcorp
Classification: Likely pathogenic. Last evaluated: 2021-07-20. Review status: criteria provided, single submitter. Criteria: Invitae Variant Classification Sherloc (09022015). Collection method: clinical testing. Allele origin: germline.
Comment: In summary, the currently available evidence indicates that the variant is pathogenic, but additional data are needed to prove that conclusively. Therefore, this variant has been classified as Likely Pathogenic. Algorithms developed to predict the effect of missense changes on protein structure and function are either unavailable or do not agree on the potential impact of this missense change (SIFT: "Not Available"; PolyPhen-2: "Probably Damaging"; Align-GVGD: "Not Available"). This variant has been observed in individual(s) with clinical features of ANKRD17-related conditions (Invitae). In at least one individual the variant was observed to be de novo. This variant is not present in population databases (ExAC no frequency). This sequence change replaces serine with asparagine at codon 651 of the ANKRD17 protein (p.Ser651Asn). The serine residue is highly conserved and there is a small physicochemical difference between serine and asparagine.

NM_032217.5(ANKRD17):c.1952G>A (p.Ser651Asn)

Gene: ANKRD17 (ankyrin repeat domain 17; minus strand). Cytogenetic location: 4q13.3.
Variant type: single nucleotide variant.
Coding change: c.1952G>A on transcript NM_032217.5 (MANE Select); coding-DNA position 1952, G replaced by A.
Protein change: p.Ser651Asn; replaces serine 651 with asparagine.
Molecular consequence: missense variant.
Genome position (GRCh38, 1-based): chr4:73,144,750, C>T on the plus strand (G>A on the coding strand, the complement: ANKRD17 is on the minus strand). VCF-style: chr4-73144750-C-T. GRCh37 (hg19) VCF-style: chr4-74010467-C-T.
Other names: c.1613G>A, p.Ser538Asn (NM_001286771.3); c.1952G>A, p.Ser651Asn (NM_015574.2, NM_198889.3); short protein forms S651N, S538N.
Identifiers: ClinVar variation 1498378 (VCV001498378.8), dbSNP rs2148832538, ClinGen allele CA357225087.